The following is an entry in ClinVar:

ClinVar aggregate classification (germline): Uncertain significance (1 of 4 stars; one submission).

Conditions:
Dilated cardiomyopathy 1G (CMD1G). Identifiers: Orphanet 154, MedGen C1858763, MONDO:0011400, OMIM 604145.
Autosomal recessive limb-girdle muscular dystrophy type 2J (LGMDR10). Also called: Limb-girdle muscular dystrophy, type 2J; MUSCULAR DYSTROPHY, LIMB-GIRDLE, AUTOSOMAL RECESSIVE 10. Identifiers: Orphanet 140922, MedGen C1837342, MONDO:0012127, OMIM 608807.

Submission:

Labcorp Genetics (formerly Invitae), Labcorp
Classification: Uncertain significance for Dilated cardiomyopathy 1G; Autosomal recessive limb-girdle muscular dystrophy type 2J. Last evaluated: 2025-01-20. Review status: criteria provided, single submitter. Criteria: Invitae Variant Classification Sherloc (09022015). Collection method: clinical testing. Allele origin: germline.
Comment: This sequence change replaces aspartic acid, which is acidic and polar, with valine, which is neutral and non-polar, at codon 34189 of the TTN protein (p.Asp34189Val). This variant is not present in population databases (gnomAD no frequency). This variant has not been reported in the literature in individuals affected with TTN-related conditions. ClinVar contains an entry for this variant (Variation ID: 1400797). Experimental studies and prediction algorithms are not available or were not evaluated, and the functional significance of this variant is currently unknown. This variant is located in the M band of TTN (PMID: 25589632). Non-truncating variants in this region may be relevant for neuromuscular disorders, but have not been definitively shown to cause cardiomyopathy (PMID: 23975875). In summary, the available evidence is currently insufficient to determine the role of this variant in disease. Therefore, it has been classified as a Variant of Uncertain Significance.

Literature cited by the submitters: PubMed 25589632; PubMed 23975875.

NM_001267550.2(TTN):c.102566A>T (p.Asp34189Val)

Genes: TTN-AS1 (TTN antisense RNA 1; plus strand), TTN (titin; minus strand). Cytogenetic location: 2q31.2.
Variant type: single nucleotide variant.
Coding change: c.102566A>T on transcript NM_001267550.2 (MANE Select); coding-DNA position 102566, A replaced by T.
Protein change: p.Asp34189Val; replaces aspartic acid 34189 with valine.
Molecular consequence: missense variant.
Genome position (GRCh38, 1-based): chr2:178,534,049, T>A on the plus strand (A>T on the coding strand, the complement: TTN is on the minus strand). VCF-style: chr2-178534049-T-A. GRCh37 (hg19) VCF-style: chr2-179398776-T-A.
Other names: c.97643A>T, p.Asp32548Val (NM_001256850.1); c.75371A>T, p.Asp25124Val (NM_003319.4); c.94862A>T, p.Asp31621Val (NM_133378.4); c.75746A>T, p.Asp25249Val (NM_133432.3); c.75947A>T, p.Asp25316Val (NM_133437.4); short protein forms D25124V, D25249V, D25316V, D34189V, D32548V, D31621V.
Identifiers: ClinVar variation 1400797 (VCV001400797.6), dbSNP rs2154135620, ClinGen allele CA349417249.